The following is an entry in ClinVar:

ClinVar aggregate classification (germline): Uncertain significance (1 of 4 stars; one submission).

Conditions:
Agammaglobulinemia 3, autosomal recessive (AGM3). Also called: AGAMMAGLOBULINEMIA 3; AGAMMAGLOBULINEMIA, AUTOSOMAL RECESSIVE, DUE TO CD79A DEFECT. Identifiers: MedGen C3150751, MONDO:0013288, OMIM 613501.

Submission:

Labcorp Genetics (formerly Invitae), Labcorp
Classification: Uncertain significance for Agammaglobulinemia 3, autosomal recessive. Last evaluated: 2022-03-12. Review status: criteria provided, single submitter. Criteria: Invitae Variant Classification Sherloc (09022015). Collection method: clinical testing. Allele origin: germline.
Comment: In summary, the available evidence is currently insufficient to determine the role of this variant in disease. Therefore, it has been classified as a Variant of Uncertain Significance. Algorithms developed to predict the effect of missense changes on protein structure and function are either unavailable or do not agree on the potential impact of this missense change (SIFT: "Not Available"; PolyPhen-2: "Benign"; Align-GVGD: "Not Available"). This variant has not been reported in the literature in individuals affected with CD79A-related conditions. Information on the frequency of this variant in the gnomAD database is not available, as this variant may be reported differently in the database. This sequence change replaces cysteine, which is neutral and slightly polar, with leucine, which is neutral and non-polar, at codon 155 of the CD79A protein (p.Cys155Leu).

NM_001783.4(CD79A):c.463_464delinsCT (p.Cys155Leu)

Genes: CD79A (CD79a molecule; plus strand), RPS19-CD79A (RPS19-CD79A readthrough; plus strand). Cytogenetic location: 19q13.2.
Variant type: Indel.
Coding change: c.463_464delinsCT on transcript NM_001783.4 (MANE Select); coding-DNA positions 463 to 464, TG replaced by CT.
Protein change: p.Cys155Leu; replaces cysteine 155 with leucine.
Molecular consequence: missense variant.
Genome position (GRCh38, 1-based): chr19:41,879,618-41,879,619, TG replaced by CT. VCF-style: chr19-41879618-TG-CT. GRCh37 (hg19) VCF-style: chr19-42383688-TG-CT.
Other names: c.349_350delinsCT, p.Cys117Leu (NM_021601.4); short protein forms C155L, C117L.
Identifiers: ClinVar variation 1938028 (VCV001938028.5), dbSNP rs2513700375, ClinGen allele CA2580097359.